The following is an entry in ClinVar:

NM_001271.4(CHD2):c.940T>C (p.Trp314Arg)

Gene: CHD2 (chromodomain helicase DNA binding protein 2; plus strand). Cytogenetic location: 15q26.1.
Variant type: single nucleotide variant.
Coding change: c.940T>C on transcript NM_001271.4 (MANE Select); coding-DNA position 940, T replaced by C.
Protein change: p.Trp314Arg; replaces tryptophan 314 with arginine.
Molecular consequence: missense variant.
Genome position (GRCh38, 1-based): chr15:92,942,956, T>C. VCF-style: chr15-92942956-T-C. GRCh37 (hg19) VCF-style: chr15-93486186-T-C.
Other names: c.940T>C, p.Trp314Arg (NM_001042572.3); short protein forms W314R.
Identifiers: ClinVar variation 1311340 (VCV001311340.2), dbSNP rs2141787528, ClinGen allele CA393901845.

ClinVar aggregate classification (germline): Uncertain significance (1 of 4 stars; one submission).

Submission:

GeneDx
Classification: Uncertain significance. Last evaluated: 2019-12-27. Review status: criteria provided, single submitter. Criteria: GeneDx Variant Classification Process June 2021. Collection method: clinical testing. Allele origin: germline. Affected: yes.
Comment: Not observed in large population cohorts (Lek et al., 2016); In silico analysis, which includes protein predictors and evolutionary conservation, supports a deleterious effect; Has not been previously published as pathogenic or benign to our knowledge